The following is an entry in ClinVar:

NM_004655.4(AXIN2):c.2150T>C (p.Val717Ala)

Gene: AXIN2 (axin 2; minus strand). Cytogenetic location: 17q24.1.
Variant type: single nucleotide variant.
Coding change: c.2150T>C on transcript NM_004655.4 (MANE Select); coding-DNA position 2150, T replaced by C.
Protein change: p.Val717Ala; replaces valine 717 with alanine.
Molecular consequence: missense variant.
Genome position (GRCh38, 1-based): chr17:65,535,713, A>G on the plus strand (T>C on the coding strand, the complement: AXIN2 is on the minus strand). VCF-style: chr17-65535713-A-G. GRCh37 (hg19) VCF-style: chr17-63531831-A-G.
Other names: c.2150T>C (LRG_296t1); c.1955T>C, p.Val652Ala (NM_001363813.1); short protein forms V717A, V652A.
Identifiers: ClinVar variation 533185 (VCV000533185.14), dbSNP rs767503380, ClinGen allele CA8718388.

ClinVar aggregate classification (germline): Conflicting classifications of pathogenicity. Review status: criteria provided, conflicting classifications (1 of 4 stars). 2 submissions from 2 submitters: Uncertain significance (1); Likely benign (1). Last evaluated 2025-10-01.

Conditions:
Oligodontia-cancer predisposition syndrome. Also called: TOOTH AGENESIS-COLORECTAL CANCER SYNDROME. Identifiers: Orphanet 300576, MedGen C1837750, MONDO:0012075, OMIM 608615. Disease mechanism: loss of function.
Hereditary cancer-predisposing syndrome. Also called: Hereditary neoplastic syndrome; Neoplastic Syndromes, Hereditary; Tumor predisposition; Hereditary Cancer Syndrome. Identifiers: Orphanet 140162, MedGen C0027672, MeSH D009386, MONDO:0015356.

Allele frequency attached by ClinVar (database versions not stated): gnomAD exomes below 0.00001 and 0.00001; ExAC 0.00001; gnomAD 0.00001.
gnomAD v4.1: 3 of 1,613,986 alleles (0.00019%); highest among the groups gnomAD compares: Non-Finnish European, 0.00025%; no homozygotes.

Submissions (2):

Labcorp Genetics (formerly Invitae), Labcorp
Classification: Uncertain significance for Oligodontia-cancer predisposition syndrome. Last evaluated: 2025-10-01. Review status: criteria provided, single submitter. Criteria: Invitae Variant Classification Sherloc (09022015). Collection method: clinical testing. Allele origin: germline.
Comment: This sequence change replaces valine, which is neutral and non-polar, with alanine, which is neutral and non-polar, at codon 717 of the AXIN2 protein (p.Val717Ala). This variant is present in population databases (rs767503380, gnomAD 0.0009%). This variant has not been reported in the literature in individuals affected with AXIN2-related conditions. ClinVar contains an entry for this variant (Variation ID: 533185). Invitae Evidence Modeling of protein sequence and biophysical properties (such as structural, functional, and spatial information, amino acid conservation, physicochemical variation, residue mobility, and thermodynamic stability) indicates that this missense variant is not expected to disrupt AXIN2 protein function with a negative predictive value of 80%. In summary, the available evidence is currently insufficient to determine the role of this variant in disease. Therefore, it has been classified as a Variant of Uncertain Significance.

Ambry Genetics
Classification: Likely benign for Hereditary cancer-predisposing syndrome. Last evaluated: 2020-11-11. Review status: criteria provided, single submitter. Criteria: Ambry Variant Classification Scheme 2023. Collection method: clinical testing. Allele origin: germline.